The following is an entry in ClinVar:

ClinVar aggregate classification (germline): Likely benign (1 of 4 stars; one submission).

Submission:

GeneDx
Classification: Likely benign. Last evaluated: 2017-07-13. Review status: criteria provided, single submitter. Criteria: GeneDx Variant Classification (06012015). Collection method: clinical testing. Allele origin: germline. Affected: yes.
Comment: This variant is considered likely benign or benign based on one or more of the following criteria: it is a conservative change, it occurs at a poorly conserved position in the protein, it is predicted to be benign by multiple in silico algorithms, and/or has population frequency not consistent with disease.

NM_032043.3(BRIP1):c.2559A>C (p.Pro853=)

Gene: BRIP1 (BRCA1 interacting helicase 1; minus strand). Cytogenetic location: 17q23.2.
Variant type: single nucleotide variant.
Coding change: c.2559A>C on transcript NM_032043.3 (MANE Select); coding-DNA position 2559, A replaced by C.
Protein change: p.Pro853=; no amino-acid change (proline 853 retained).
Molecular consequence: synonymous variant.
Genome position (GRCh38, 1-based): chr17:61,693,446, T>G on the plus strand (A>C on the coding strand, the complement: BRIP1 is on the minus strand). VCF-style: chr17-61693446-T-G. GRCh37 (hg19) VCF-style: chr17-59770807-T-G.
Identifiers: ClinVar variation 510844 (VCV000510844.1), dbSNP rs1555574735, ClinGen allele CA501144594.